The following is an entry in ClinVar:

NM_000760.4(CSF3R):c.230G>A (p.Arg77His)

Gene: CSF3R (colony stimulating factor 3 receptor; minus strand). Cytogenetic location: 1p34.3.
Variant type: single nucleotide variant.
Coding change: c.230G>A on transcript NM_000760.4 (MANE Select); coding-DNA position 230, G replaced by A.
Protein change: p.Arg77His; replaces arginine 77 with histidine.
Molecular consequence: missense variant.
Genome position (GRCh38, 1-based): chr1:36,475,508, C>T on the plus strand (G>A on the coding strand, the complement: CSF3R is on the minus strand). VCF-style: chr1-36475508-C-T. GRCh37 (hg19) VCF-style: chr1-36941109-C-T.
Other names: c.230G>A (NM_000760.3); c.230G>A, p.Arg77His (NM_156039.3, NM_172313.3); short protein forms R77H.
Identifiers: ClinVar variation 1432173 (VCV001432173.8), dbSNP rs761404285, ClinGen allele CA769532.

ClinVar aggregate classification (germline): Conflicting classifications of pathogenicity. Review status: criteria provided, conflicting classifications (1 of 4 stars). 3 submissions from 3 submitters: Uncertain significance (2); Likely benign (1). Last evaluated 2025-10-03.

Conditions:
Inborn genetic diseases. Identifiers: MedGen C0950123, MeSH D030342.
Autosomal recessive severe congenital neutropenia due to CSF3R deficiency. Also called: Neutropenia, severe congenital, 7, autosomal recessive. Identifiers: Orphanet 420702, MedGen C4310764, MONDO:0014865, OMIM 617014.

Allele frequency attached by ClinVar (database versions not stated): gnomAD 0.00001 and 0.00002; ExAC 0.00002; gnomAD exomes 0.00002; TOPMed 0.00003.
gnomAD v4.1: 44 of 1,614,006 alleles (0.0027%); highest among the groups gnomAD compares: Admixed American, 0.005%; no homozygotes.

Submissions (3):

Labcorp Genetics (formerly Invitae), Labcorp
Classification: Uncertain significance for Autosomal recessive severe congenital neutropenia due to CSF3R deficiency. Last evaluated: 2025-10-03. Review status: criteria provided, single submitter. Criteria: Invitae Variant Classification Sherloc (09022015). Collection method: clinical testing. Allele origin: germline.
Comment: This sequence change replaces arginine, which is basic and polar, with histidine, which is basic and polar, at codon 77 of the CSF3R protein (p.Arg77His). This variant is present in population databases (rs761404285, gnomAD 0.004%). This variant has not been reported in the literature in individuals affected with CSF3R-related conditions. ClinVar contains an entry for this variant (Variation ID: 1432173). An algorithm developed to predict the effect of missense changes on protein structure and function outputs the following: PolyPhen-2: "Benign". The histidine amino acid residue is found in multiple mammalian species, which suggests that this missense change does not adversely affect protein function. In summary, the available evidence is currently insufficient to determine the role of this variant in disease. Therefore, it has been classified as a Variant of Uncertain Significance.

Blueprint Genetics
Classification: Likely benign. Last evaluated: 2024-05-07. Review status: criteria provided, single submitter. Criteria: ACMG Guidelines, 2015. Collection method: clinical testing. Allele origin: germline.

Ambry Genetics
Classification: Uncertain significance for Inborn genetic diseases. Last evaluated: 2021-10-12. Review status: criteria provided, single submitter. Criteria: Ambry Variant Classification Scheme 2023. Collection method: clinical testing. Allele origin: germline.